The following is an entry in ClinVar:

ClinVar aggregate classification (germline): Likely benign. Review status: criteria provided, multiple submitters, no conflicts (2 of 4 stars). 3 submissions from 3 submitters: Likely benign (3). Last evaluated 2025-10-02.

Conditions:
CLTC-related disorder. Also called: CLTC-related condition.

Allele frequency attached by ClinVar (database versions not stated): gnomAD 0.00003; TOPMed 0.00004; ESP Exome Variant Server 0.00008.
gnomAD v4.1: 9 of 1,613,172 alleles (0.00056%); highest among the groups gnomAD compares: African/African-American, 0.0093%; no homozygotes.

Submissions (3):

PreventionGenetics, part of Exact Sciences
Classification: Likely benign for CLTC-related condition. Last evaluated: 2025-10-02. Review status: criteria provided, single submitter. Criteria: ACMG Guidelines, 2015. Collection method: clinical testing. Allele origin: germline.
Comment: This variant is classified as likely benign based on ACMG/AMP sequence variant interpretation guidelines (Richards et al. 2015 PMID: 25741868, with internal and published modifications).

Labcorp Genetics (formerly Invitae), Labcorp
Classification: Likely benign. Last evaluated: 2025-08-29. Review status: criteria provided, single submitter. Criteria: Invitae Variant Classification Sherloc (09022015). Collection method: clinical testing. Allele origin: germline.

Blueprint Genetics
Classification: Likely benign. Last evaluated: 2024-10-18. Review status: criteria provided, single submitter. Criteria: ACMG Guidelines, 2015. Collection method: clinical testing. Allele origin: germline.

NM_004859.4(CLTC):c.1692A>C (p.Ala564=)

Gene: CLTC (clathrin heavy chain; plus strand). Cytogenetic location: 17q23.1.
Variant type: single nucleotide variant.
Coding change: c.1692A>C on transcript NM_004859.4 (MANE Select); coding-DNA position 1692, A replaced by C.
Protein change: p.Ala564=; no amino-acid change (alanine 564 retained).
Molecular consequence: synonymous variant.
Genome position (GRCh38, 1-based): chr17:59,666,150, A>C. VCF-style: chr17-59666150-A-C. GRCh37 (hg19) VCF-style: chr17-57743511-A-C.
Other names: c.1704A>C (NM_001288653.1); c.1704A>C, p.Ala568= (NM_001288653.2).
Identifiers: ClinVar variation 1663627 (VCV001663627.10), dbSNP rs138226151, ClinGen allele CA8681272.